The following is an entry in ClinVar:

ClinVar aggregate classification (germline): Pathogenic (1 of 4 stars; one submission).

Conditions:
Hereditary breast ovarian cancer syndrome. Also called: Hereditary breast and ovarian cancer; Breast and ovarian cancer; BRCA1- and BRCA2-Associated Hereditary Breast and Ovarian Cancer; Hereditary breast and/or ovarian cancer syndrome; Hereditary breast and ovarian cancer syndrome; Hereditary breast and ovarian cancer syndrome (HBOC). Identifiers: Orphanet 145, MedGen C0677776, MeSH D061325, MONDO:0003582. Disease mechanism: loss of function.

Submission:

Labcorp Genetics (formerly Invitae), Labcorp
Classification: Pathogenic for Hereditary breast ovarian cancer syndrome. Last evaluated: 2021-12-26. Review status: criteria provided, single submitter. Criteria: Invitae Variant Classification Sherloc (09022015). Collection method: clinical testing. Allele origin: germline.
Comment: For these reasons, this variant has been classified as Pathogenic. This variant has not been reported in the literature in individuals affected with BRCA2-related conditions. This variant is not present in population databases (gnomAD no frequency). This sequence change creates a premature translational stop signal (p.Thr1050Asnfs*6) in the BRCA2 gene. It is expected to result in an absent or disrupted protein product. Loss-of-function variants in BRCA2 are known to be pathogenic (PMID: 20104584).

Literature cited by the submitters: PubMed 20104584.

NM_000059.4(BRCA2):c.3148dup (p.Thr1050fs)

Gene: BRCA2 (BRCA2 DNA repair associated; plus strand). Cytogenetic location: 13q13.1.
Variant type: Duplication.
Coding change: c.3148dup on transcript NM_000059.4 (MANE Select); coding-DNA position 3148, one base duplicated (A; older notation c.3148dupA).
Protein change: p.Thr1050fs; shifts the reading frame from threonine 1050.
Molecular consequence: frameshift variant.
Genome position (GRCh38, 1-based): chr13:32,337,503, A duplicated. VCF-style (leftmost placement, unchanged base first): chr13-32337502-T-TA. GRCh37 (hg19) VCF-style: chr13-32911639-T-TA.
Other names: short protein forms T1050fs.
Identifiers: ClinVar variation 1459127 (VCV001459127.6), dbSNP rs2137493670, ClinGen allele CA2573149280.